The following is an entry in ClinVar:

NM_001042492.3(NF1):c.*3514G>A

Gene: NF1 (neurofibromin 1; plus strand). Cytogenetic location: 17q11.2.
Variant type: single nucleotide variant.
Coding change: c.*3514G>A on transcript NM_001042492.3 (MANE Select); 3514 bases downstream of the stop codon, G replaced by A.
Molecular consequence: 3 prime UTR variant.
Genome position (GRCh38, 1-based): chr17:31,377,669, G>A. VCF-style: chr17-31377669-G-A. GRCh37 (hg19) VCF-style: chr17-29704687-G-A.
Other names: c.*3514G>A (NM_000267.4).
Identifiers: ClinVar variation 889510 (VCV000889510.34), dbSNP rs574282086, ClinGen allele CA289712833.

ClinVar aggregate classification (germline): Benign/Likely benign. Review status: criteria provided, multiple submitters, no conflicts (2 of 4 stars). 5 submissions from 2 submitters: Benign (4); Likely benign (1). Last evaluated 2023-01-01.

Conditions:
Neurofibromatosis-Noonan syndrome (NFNS). Also called: NEUROFIBROMATOSIS WITH NOONAN PHENOTYPE. Identifiers: Orphanet 638, MedGen C2931482, MONDO:0011035, OMIM 601321. Disease mechanism: loss of function.
Neurofibromatosis, familial spinal (FSNF). Identifiers: Orphanet 636, MedGen C1834235, MONDO:0008078, OMIM 162210. Disease mechanism: loss of function.
Neurofibromatosis, type 1 (NF1). Also called: Neurofibromatosis, type I; VON RECKLINGHAUSEN DISEASE; Peripheral type neurofibromatosis; NEUROFIBROMATOSIS, TYPE I, SOMATIC. Identifiers: Orphanet 636, MedGen C0027831, MONDO:0018975, OMIM 162200. Disease mechanism: loss of function.
Café-au-lait macules with pulmonary stenosis (WTSN). Also called: PULMONIC STENOSIS WITH CAFE-AU-LAIT SPOTS. Identifiers: MedGen C0553586, MONDO:0008672, OMIM 193520.

Allele frequency attached by ClinVar (database versions not stated): TOPMed 0.00210; 1000 Genomes Project 0.00319; 1000 Genomes Project 30x 0.00375.
gnomAD v4.1: 295 of 214,812 alleles (0.14%); highest among the groups gnomAD compares: African/African-American, 0.67%; 1 homozygote.

Submissions (5):

CeGaT Center for Human Genetics Tuebingen
Classification: Likely benign. Last evaluated: 2023-01-01. Review status: criteria provided, single submitter. Criteria: CeGaT Center For Human Genetics Tuebingen Variant Classification Criteria Version 2. Collection method: clinical testing. Allele origin: germline. Affected: yes. Observed: 2 variant alleles.
Comment: NF1: BS1

Illumina Laboratory Services, Illumina
Classification: Benign for Neurofibromatosis, familial spinal. Last evaluated: 2018-01-13. Review status: criteria provided, single submitter. Criteria: ICSL Variant Classification Criteria 13 December 2019. Collection method: clinical testing. Allele origin: germline.
Comment: This variant was observed in the ICSL laboratory as part of a predisposition screen in an ostensibly healthy population. It had not been previously curated by ICSL or reported in the Human Gene Mutation Database (HGMD: prior to June 1st, 2018), and was therefore a candidate for classification through an automated scoring system. Utilizing variant allele frequency, disease prevalence and penetrance estimates, and inheritance mode, an automated score was calculated to assess if this variant is too frequent to cause the disease. Based on the score and internal cut-off values, a variant classified as benign is not then subjected to further curation. The score for this variant resulted in a classification of benign for this disease.

Illumina Laboratory Services, Illumina
Classification: Benign for Neurofibromatosis-Noonan syndrome. Last evaluated: 2018-01-13. Review status: criteria provided, single submitter. Criteria: ICSL Variant Classification Criteria 13 December 2019. Collection method: clinical testing. Allele origin: germline.
Comment: the same text as in the submission from Illumina Laboratory Services, Illumina above.

Illumina Laboratory Services, Illumina
Classification: Benign for Neurofibromatosis, type 1. Last evaluated: 2018-01-13. Review status: criteria provided, single submitter. Criteria: ICSL Variant Classification Criteria 13 December 2019. Collection method: clinical testing. Allele origin: germline.
Comment: the same text as in the submission from Illumina Laboratory Services, Illumina above.

Illumina Laboratory Services, Illumina
Classification: Benign for Café-au-lait macules with pulmonary stenosis. Last evaluated: 2018-01-13. Review status: criteria provided, single submitter. Criteria: ICSL Variant Classification Criteria 13 December 2019. Collection method: clinical testing. Allele origin: germline.
Comment: the same text as in the submission from Illumina Laboratory Services, Illumina above.